The following is an entry in ClinVar:

ClinVar aggregate classification (germline): Uncertain significance (1 of 4 stars; one submission).

Conditions:
Hereditary cancer-predisposing syndrome. Also called: Tumor predisposition; Neoplastic Syndromes, Hereditary; Hereditary neoplastic syndrome; Hereditary Cancer Syndrome. Identifiers: Orphanet 140162, MedGen C0027672, MeSH D009386, MONDO:0015356.

Submission:

Ambry Genetics
Classification: Uncertain significance for Hereditary cancer-predisposing syndrome. Last evaluated: 2024-10-14. Review status: criteria provided, single submitter. Criteria: Ambry Variant Classification Scheme 2023. Collection method: clinical testing. Allele origin: germline.
Comment: The p.V994F variant (also known as c.2980G>T), located in coding exon 19 of the ATM gene, results from a G to T substitution at nucleotide position 2980. The valine at codon 994 is replaced by phenylalanine, an amino acid with highly similar properties. This amino acid position is conserved. In addition, this alteration is predicted to be tolerated by in silico analysis. Based on the available evidence, the clinical significance of this variant remains unclear.

NM_000051.4(ATM):c.2980G>T (p.Val994Phe)

Gene: ATM (ATM serine/threonine kinase; plus strand). Cytogenetic location: 11q22.3.
Variant type: single nucleotide variant.
Coding change: c.2980G>T on transcript NM_000051.4 (MANE Select); coding-DNA position 2980, G replaced by T.
Protein change: p.Val994Phe; replaces valine 994 with phenylalanine.
Molecular consequence: missense variant.
Genome position (GRCh38, 1-based): chr11:108,271,309, G>T. VCF-style: chr11-108271309-G-T. GRCh37 (hg19) VCF-style: chr11-108142036-G-T.
Other names: c.2980G>T, p.Val994Phe (NM_001351834.2); short protein forms V994F.
Identifiers: ClinVar variation 3451972 (VCV003451972.1).
Genomic context (GRCh38, chr11:108,271,309, plus strand): 5'-AGCAATGTGTGTTCTTTGTATCGTCGTGACCAAGATGTTTGTAAAACTATTTTAAACCAT[G>T]TCCTTCATGTAGTGAAAAACCTAGGTCAAAGCAATATGGACTCTGAGAACACAAGGGATG-3'
Protein context (NP_000042.3, residues 984-1004): QDVCKTILNH[Val994Phe]LHVVKNLGQS